The following is an entry in ClinVar:

ClinVar aggregate classification (germline): Uncertain significance (1 of 4 stars; one submission).

Conditions:
Charcot-Marie-Tooth disease X-linked dominant 6. Also called: CHARCOT-MARIE-TOOTH NEUROPATHY, X-LINKED DOMINANT, 6. Identifiers: Orphanet 352675, MedGen C3806702, MONDO:0010479, OMIM 300905.

Allele frequency attached by ClinVar (database versions not stated): gnomAD 0.00001; TOPMed 0.00001.

Submission:

Labcorp Genetics (formerly Invitae), Labcorp
Classification: Uncertain significance for Charcot-Marie-Tooth disease X-linked dominant 6. Last evaluated: 2026-02-03. Review status: criteria provided, single submitter. Criteria: Invitae Variant Classification Sherloc (09022015). Collection method: clinical testing. Allele origin: germline.
Comment: This sequence change affects codon 295 of the PDK3 mRNA. It is a 'silent' change, meaning that it does not change the encoded amino acid sequence of the PDK3 protein. This variant is not present in population databases (gnomAD no frequency). This variant has not been reported in the literature in individuals affected with PDK3-related conditions. ClinVar contains an entry for this variant (Variation ID: 1444251). Algorithms developed to predict the effect of sequence changes on RNA splicing suggest that this variant may disrupt the consensus splice site. In summary, the available evidence is currently insufficient to determine the role of this variant in disease. Therefore, it has been classified as a Variant of Uncertain Significance.

NM_005391.5(PDK3):c.883C>A (p.Arg295=)

Gene: PDK3 (pyruvate dehydrogenase kinase 3; plus strand). Cytogenetic location: Xp22.11.
Variant type: single nucleotide variant.
Coding change: c.883C>A on transcript NM_005391.5 (MANE Select); coding-DNA position 883, C replaced by A.
Protein change: p.Arg295=; no amino-acid change (arginine 295 retained).
Molecular consequence: synonymous variant.
Genome position (GRCh38, 1-based): chrX:24,528,106, C>A. VCF-style: chrX-24528106-C-A. GRCh37 (hg19) VCF-style: chrX-24546223-C-A.
Other names: c.883C>A, p.Arg295= (NM_001142386.3).
Identifiers: ClinVar variation 1444251 (VCV001444251.8), dbSNP rs868382375, ClinGen allele CA515725568.